The following is an entry in ClinVar:

NM_002471.4(MYH6):c.2602T>G (p.Ser868Ala)

Gene: MYH6 (myosin heavy chain 6; minus strand). Cytogenetic location: 14q11.2.
Variant type: single nucleotide variant.
Coding change: c.2602T>G on transcript NM_002471.4 (MANE Select); coding-DNA position 2602, T replaced by G.
Protein change: p.Ser868Ala; replaces serine 868 with alanine.
Molecular consequence: missense variant.
Genome position (GRCh38, 1-based): chr14:23,394,151, A>C on the plus strand (T>G on the coding strand, the complement: MYH6 is on the minus strand). VCF-style: chr14-23394151-A-C. GRCh37 (hg19) VCF-style: chr14-23863360-A-C.
Other names: short protein forms S868A.
Identifiers: ClinVar variation 4725813 (VCV004725813.1).

ClinVar aggregate classification (germline): Uncertain significance (1 of 4 stars; one submission).

Conditions:
Hypertrophic cardiomyopathy 14. Identifiers: MedGen C2750467, MONDO:0013197, OMIM 613251.

Submission:

Labcorp Genetics (formerly Invitae), Labcorp
Classification: Uncertain significance for Hypertrophic cardiomyopathy 14. Last evaluated: 2025-08-21. Review status: criteria provided, single submitter. Criteria: Invitae Variant Classification Sherloc (09022015). Collection method: clinical testing. Allele origin: germline.
Comment: This sequence change replaces serine, which is neutral and polar, with alanine, which is neutral and non-polar, at codon 868 of the MYH6 protein (p.Ser868Ala). This variant is not present in population databases (gnomAD no frequency). This variant has not been reported in the literature in individuals affected with MYH6-related conditions. An algorithm developed to predict the effect of missense changes on protein structure and function (PolyPhen-2) suggests that this variant is likely to be disruptive. In summary, the available evidence is currently insufficient to determine the role of this variant in disease. Therefore, it has been classified as a Variant of Uncertain Significance.